The following is an entry in ClinVar:

ClinVar aggregate classification (germline): Pathogenic/Likely pathogenic. Review status: criteria provided, multiple submitters, no conflicts (2 of 4 stars). 2 submissions from 2 submitters: Pathogenic (1); Likely pathogenic (1). Last evaluated 2024-01-24.

Conditions:
Steel syndrome (STLS). Identifiers: Orphanet 438117, MedGen C3554594, MONDO:0014061, OMIM 615155.

Allele frequency attached by ClinVar (database versions not stated): gnomAD exomes below 0.00001.

Submissions (2):

Labcorp Genetics (formerly Invitae), Labcorp
Classification: Pathogenic. Last evaluated: 2024-01-24. Review status: criteria provided, single submitter. Criteria: Invitae Variant Classification Sherloc (09022015). Collection method: clinical testing. Allele origin: germline.
Comment: This sequence change creates a premature translational stop signal (p.Ala1453Glyfs*42) in the COL27A1 gene. It is expected to result in an absent or disrupted protein product. Loss-of-function variants in COL27A1 are known to be pathogenic (PMID: 24986830, 28276056). This variant is not present in population databases (gnomAD no frequency). This variant has not been reported in the literature in individuals affected with COL27A1-related conditions. ClinVar contains an entry for this variant (Variation ID: 2439337). Algorithms developed to predict the effect of sequence changes on RNA splicing suggest that this variant may disrupt the consensus splice site. For these reasons, this variant has been classified as Pathogenic.

Revvity Omics, Revvity
Classification: Likely pathogenic for Steel syndrome. Last evaluated: 2023-01-24. Review status: criteria provided, single submitter. Criteria: ACMG Guidelines, 2015. Collection method: clinical testing. Allele origin: germline.

Literature cited by the submitters: PubMed 24986830 (cited by Labcorp Genetics (formerly Invitae), Labcorp); PubMed 28276056 (cited by Labcorp Genetics (formerly Invitae), Labcorp).

NM_032888.4(COL27A1):c.4357dup (p.Ala1453fs)

Gene: COL27A1 (collagen type XXVII alpha 1 chain; plus strand). Cytogenetic location: 9q32.
Variant type: Duplication.
Coding change: c.4357dup on transcript NM_032888.4 (MANE Select); coding-DNA position 4357, one base duplicated (G; older notation c.4357dupG).
Protein change: p.Ala1453fs; shifts the reading frame from alanine 1453.
Molecular consequence: frameshift variant.
Genome position (GRCh38, 1-based): chr9:114,290,320, G duplicated. VCF-style (leftmost placement, unchanged base first): chr9-114290319-A-AG. GRCh37 (hg19) VCF-style: chr9-117052599-A-AG.
Other names: short protein forms A1453fs.
Identifiers: ClinVar variation 2439337 (VCV002439337.6), dbSNP rs1564576546, ClinGen allele CA918540167.